The following is an entry in ClinVar:

NM_020975.6(RET):c.1782C>G (p.His594Gln)

Gene: RET (ret proto-oncogene; plus strand). Cytogenetic location: 10q11.21.
Variant type: single nucleotide variant.
Coding change: c.1782C>G on transcript NM_020975.6 (MANE Select); coding-DNA position 1782, C replaced by G.
Protein change: p.His594Gln; replaces histidine 594 with glutamine.
Molecular consequence: missense variant.
Genome position (GRCh38, 1-based): chr10:43,113,578, C>G. VCF-style: chr10-43113578-C-G. GRCh37 (hg19) VCF-style: chr10-43609026-C-G.
Other names: c.1782C>G, p.His594Gln (NM_000323.2, NM_001406743.1, NM_001406744.1 and 6 more transcripts); c.1020C>G, p.His340Gln (NM_001355216.2); c.1653C>G, p.His551Gln (NM_001406761.1, NM_001406762.1, NM_001406764.1 and 1 more transcripts); c.1494C>G, p.His498Gln (NM_001406766.1, NM_001406767.1, NM_001406770.1); c.1386C>G, p.His462Gln (NM_001406769.1, NM_001406772.1); c.885C>G, p.His295Gln (NM_001406780.1, NM_001406781.1, NM_001406782.1 and 2 more transcripts); c.756C>G, p.His252Gln (NM_001406783.1, NM_001406786.1); c.792C>G, p.His264Gln (NM_001406784.1); and 5 more; short protein forms H111Q, H199Q, H252Q, H264Q, H295Q, H340Q, H352Q, H419Q.
Identifiers: ClinVar variation 1717771 (VCV001717771.5), dbSNP rs863224426, ClinGen allele CA376552524.
Genomic context (GRCh38, chr10:43,113,578, plus strand): 5'-GCGCCCCAGGAGGCTGAGTGGGCTACGTCTGCCCTCAGGGGGCAGCATTGTTGGGGGACA[C>G]GAGCCTGGGGAGCCCCGGGGGATTAAAGCTGGCTATGGCACCTGCAACTGCTTCCCTGAG-3'
Protein context (NP_066124.1, residues 584-604): DCLRGSIVGG[His594Gln]EPGEPRGIKA

ClinVar aggregate classification (germline): Uncertain significance (1 of 4 stars; one submission).

Conditions:
Multiple endocrine neoplasia, type 2 (MEN2). Identifiers: Orphanet 653, MedGen C4048306, MONDO:0019003. Disease mechanism: gain of function.

Submission:

Labcorp Genetics (formerly Invitae), Labcorp
Classification: Uncertain significance for Multiple endocrine neoplasia, type 2. Last evaluated: 2022-08-22. Review status: criteria provided, single submitter. Criteria: Invitae Variant Classification Sherloc (09022015). Collection method: clinical testing. Allele origin: germline.
Comment: This sequence change replaces histidine, which is basic and polar, with glutamine, which is neutral and polar, at codon 594 of the RET protein (p.His594Gln). This variant is not present in population databases (gnomAD no frequency). This variant has not been reported in the literature in individuals affected with RET-related conditions. Algorithms developed to predict the effect of missense changes on protein structure and function are either unavailable or do not agree on the potential impact of this missense change (SIFT: "Deleterious"; PolyPhen-2: "Benign"; Align-GVGD: "Class C0"). In summary, the available evidence is currently insufficient to determine the role of this variant in disease. Therefore, it has been classified as a Variant of Uncertain Significance.